The following is an entry in ClinVar:

ClinVar aggregate classification (germline): Uncertain significance. Review status: criteria provided, multiple submitters, no conflicts (2 of 4 stars). 6 submissions from 6 submitters: Uncertain significance (6). Last evaluated 2026-06-17.

Conditions:
Hereditary cancer-predisposing syndrome. Also called: Neoplastic Syndromes, Hereditary; Hereditary neoplastic syndrome; Hereditary Cancer Syndrome; Tumor predisposition. Identifiers: Orphanet 140162, MedGen C0027672, MeSH D009386, MONDO:0015356.
Hereditary diffuse gastric adenocarcinoma (HDGC). Also called: DIFFUSE GASTRIC AND LOBULAR BREAST CANCER SYNDROME. Identifiers: Orphanet 26106, MedGen C1708349, MONDO:0007648, OMIM 137215.
Familial cancer of breast. Also called: hereditary breast carcinoma; Hereditary breast cancer; BREAST CANCER, FAMILIAL. Identifiers: Orphanet 227535, MedGen C0346153, MONDO:0016419, OMIM 114480. Disease mechanism: loss of function.
Ovarian cancer. Also called: OVARIAN CANCER, SOMATIC. Identifiers: Orphanet 213500, MedGen C1140680, MONDO:0008170, OMIM 167000.
Blepharocheilodontic syndrome 1 (BCDS1). Identifiers: Orphanet 1997, MedGen C4551988, MONDO:0054740, OMIM 119580.
Endometrial carcinoma. Also called: Endometrial carcinoma, somatic. Identifiers: MedGen C0476089, MONDO:0002447, OMIM 608089, HP:0012114.

Allele frequency attached by ClinVar (database versions not stated): gnomAD exomes below 0.00001.
gnomAD v4.1: 2 of 1,614,242 alleles (0.00012%); highest among the groups gnomAD compares: East Asian, 0.0022%; no homozygotes.

Submissions (6):

Ambry Genetics
Classification: Uncertain significance for Hereditary cancer-predisposing syndrome. Last evaluated: 2026-06-17. Review status: criteria provided, single submitter. Criteria: Ambry Variant Classification Scheme 2023. Collection method: clinical testing. Allele origin: germline.
Comment: The p.V459A variant (also known as c.1376T>C), located in coding exon 10 of the CDH1 gene, results from a T to C substitution at nucleotide position 1376. The valine at codon 459 is replaced by alanine, an amino acid with similar properties. This amino acid position is not well conserved in available vertebrate species. In addition, this alteration is predicted to be tolerated by in silico analysis. Based on the available evidence, the clinical significance of this variant remains unclear.

Labcorp Genetics (formerly Invitae), Labcorp
Classification: Uncertain significance for Hereditary diffuse gastric adenocarcinoma. Last evaluated: 2025-12-21. Review status: criteria provided, single submitter. Criteria: Invitae Variant Classification Sherloc (09022015). Collection method: clinical testing. Allele origin: germline.
Comment: This sequence change replaces valine, which is neutral and non-polar, with alanine, which is neutral and non-polar, at codon 459 of the CDH1 protein (p.Val459Ala). This variant is not present in population databases (gnomAD no frequency). This variant has not been reported in the literature in individuals affected with CDH1-related conditions. ClinVar contains an entry for this variant (Variation ID: 483260). An algorithm developed to predict the effect of missense changes on protein structure and function outputs the following: PolyPhen-2: "Benign". The alanine amino acid residue is found in multiple mammalian species, which suggests that this missense change does not adversely affect protein function. In summary, the available evidence is currently insufficient to determine the role of this variant in disease. Therefore, it has been classified as a Variant of Uncertain Significance.

Fulgent Genetics
Classification: Uncertain significance for Familial cancer of breast; Blepharocheilodontic syndrome 1; Hereditary diffuse gastric adenocarcinoma; Ovarian cancer; Endometrial carcinoma. Last evaluated: 2024-02-22. Review status: criteria provided, single submitter. Criteria: ACMG Guidelines, 2015. Collection method: clinical testing. Allele origin: germline.

GeneDx
Classification: Uncertain significance. Last evaluated: 2020-04-20. Review status: criteria provided, single submitter. Criteria: GeneDx Variant Classification Process June 2021. Collection method: clinical testing. Allele origin: germline. Affected: yes.
Comment: Not observed in large population cohorts (Lek et al., 2016); In silico analysis supports that this missense variant does not alter protein structure/function; Has not been previously published as pathogenic or benign to our knowledge

Department of Pathology and Laboratory Medicine, Sinai Health System
Classification: Uncertain significance for Familial cancer of breast; Ovarian cancer. Last evaluated: 2019-11-06. Review status: criteria provided, single submitter. Criteria: ACMG Guidelines, 2015. Collection method: clinical testing. Allele origin: germline. Affected: yes.

Color Diagnostics, LLC DBA Color Health
Classification: Uncertain significance for Hereditary cancer-predisposing syndrome. Last evaluated: 2019-02-15. Review status: criteria provided, single submitter. Criteria: ACMG Guidelines, 2015. Collection method: clinical testing. Allele origin: germline.

Literature cited by the submitters: PubMed 32885271 (cited by Ambry Genetics).

NM_004360.5(CDH1):c.1376T>C (p.Val459Ala)

Gene: CDH1 (cadherin 1; plus strand). Cytogenetic location: 16q22.1.
Variant type: single nucleotide variant.
Coding change: c.1376T>C on transcript NM_004360.5 (MANE Select); coding-DNA position 1376, T replaced by C.
Protein change: p.Val459Ala; replaces valine 459 with alanine.
Molecular consequence: missense variant. On other transcripts: 5 prime UTR variant (2).
Genome position (GRCh38, 1-based): chr16:68,815,570, T>C. VCF-style: chr16-68815570-T-C. GRCh37 (hg19) VCF-style: chr16-68849473-T-C.
Other names: c.1193T>C, p.Val398Ala (NM_001317184.2); c.-173T>C (NM_001317185.2); c.-444T>C (NM_001317186.2); c.1376T>C (LRG_301t1); short protein forms V459A, V398A.
Identifiers: ClinVar variation 483260 (VCV000483260.20), dbSNP rs1555516109, ClinGen allele CA396462831.